The following is an entry in ClinVar:

NM_002661.5(PLCG2):c.3374A>G (p.Tyr1125Cys)

Gene: PLCG2 (phospholipase C gamma 2; plus strand). Cytogenetic location: 16q23.3.
Variant type: single nucleotide variant.
Coding change: c.3374A>G on transcript NM_002661.5 (MANE Select); coding-DNA position 3374, A replaced by G.
Protein change: p.Tyr1125Cys; replaces tyrosine 1125 with cysteine.
Molecular consequence: missense variant.
Genome position (GRCh38, 1-based): chr16:81,939,952, A>G. VCF-style: chr16-81939952-A-G. GRCh37 (hg19) VCF-style: chr16-81973557-A-G.
Other names: short protein forms Y1125C.
Identifiers: ClinVar variation 857764 (VCV000857764.9), dbSNP rs374877793, ClinGen allele CA8194698.
Genomic context (GRCh38, chr16:81,939,952, plus strand): 5'-ATGATAATGGCCTCAGCCCTATCTGGGCTCCAACACAGGAGAAGGTGACATTTGAAATTT[A>G]TGACCCAAACCTGGCATTTCTGCGCTTTGTGGTTTATGAAGAAGATATGTTCAGCGATCC-3'
Protein context (NP_002652.2, residues 1115-1135): PTQEKVTFEI[Tyr1125Cys]DPNLAFLRFV

ClinVar aggregate classification (germline): Uncertain significance. Review status: criteria provided, multiple submitters, no conflicts (2 of 4 stars). 2 submissions from 2 submitters: Uncertain significance (2). Last evaluated 2025-07-01.

Conditions:
Familial cold autoinflammatory syndrome 3 (FCAS3). Also called: FAMILIAL ATYPICAL COLD URTICARIA; ANTIBODY DEFICIENCY AND IMMUNE DYSREGULATION, PLCG2-ASSOCIATED. Identifiers: Orphanet 300359, MedGen C3280914, MONDO:0013766, OMIM 614468.
Autoinflammation-PLCG2-associated antibody deficiency-immune dysregulation. Also called: AUTOINFLAMMATION, ANTIBODY DEFICIENCY, AND IMMUNE DYSREGULATION; Autoinflammation, antibody deficiency, and immune dysregulation syndrome; Autoinflammation, antibody deficiency, and immune dysregulation, plcg2-associated. Identifiers: Orphanet 324530, MedGen C3553961, MONDO:0013944, OMIM 614878.

Allele frequency attached by ClinVar (database versions not stated): gnomAD exomes below 0.00001 and 0.00001; ExAC 0.00001; TOPMed 0.00003; gnomAD 0.00005 and 0.00006; ESP Exome Variant Server 0.00008.
gnomAD v4.1: 13 of 1,613,878 alleles (0.00081%); highest among the groups gnomAD compares: African/African-American, 0.012%; no homozygotes.

Submissions (2):

Labcorp Genetics (formerly Invitae), Labcorp
Classification: Uncertain significance for Familial cold autoinflammatory syndrome 3. Last evaluated: 2025-07-01. Review status: criteria provided, single submitter. Criteria: Invitae Variant Classification Sherloc (09022015). Collection method: clinical testing. Allele origin: germline.
Comment: This sequence change replaces tyrosine, which is neutral and polar, with cysteine, which is neutral and slightly polar, at codon 1125 of the PLCG2 protein (p.Tyr1125Cys). This variant is present in population databases (rs374877793, gnomAD 0.01%). This variant has not been reported in the literature in individuals affected with PLCG2-related conditions. ClinVar contains an entry for this variant (Variation ID: 857764). An algorithm developed to predict the effect of missense changes on protein structure and function (PolyPhen-2) suggests that this variant is likely to be disruptive. In summary, the available evidence is currently insufficient to determine the role of this variant in disease. Therefore, it has been classified as a Variant of Uncertain Significance.

Fulgent Genetics
Classification: Uncertain significance for Familial cold autoinflammatory syndrome 3; Autoinflammation-PLCG2-associated antibody deficiency-immune dysregulation. Last evaluated: 2021-10-23. Review status: criteria provided, single submitter. Criteria: ACMG Guidelines, 2015. Collection method: clinical testing. Allele origin: unknown.